The following is an entry in ClinVar:

NM_018965.4(TREM2):c.154C>T (p.Arg52Cys)

Gene: TREM2 (triggering receptor expressed on myeloid cells 2; minus strand). Cytogenetic location: 6p21.1.
Variant type: single nucleotide variant.
Coding change: c.154C>T on transcript NM_018965.4 (MANE Select); coding-DNA position 154, C replaced by T.
Protein change: p.Arg52Cys; replaces arginine 52 with cysteine.
Molecular consequence: missense variant.
Genome position (GRCh38, 1-based): chr6:41,161,500, G>A on the plus strand (C>T on the coding strand, the complement: TREM2 is on the minus strand). VCF-style: chr6-41161500-G-A. GRCh37 (hg19) VCF-style: chr6-41129238-G-A.
Other names: c.154C>T, p.Arg52Cys (NM_001271821.2); short protein forms R52C.
Identifiers: ClinVar variation 1374898 (VCV001374898.5), dbSNP rs749358844, ClinGen allele CA3798955.

ClinVar aggregate classification (germline): Uncertain significance. Review status: criteria provided, multiple submitters, no conflicts (2 of 4 stars). 2 submissions from 2 submitters: Uncertain significance (2). Last evaluated 2025-09-23.

Conditions:
Polycystic lipomembranous osteodysplasia with sclerosing leukoencephalopathy 2. Also called: TREM2-Related Polycystic Lipomembranous Osteodysplasia with Sclerosing Leukoencephalopathy. Identifiers: MedGen C4748657, MONDO:0020750, OMIM 618193.

Allele frequency attached by ClinVar (database versions not stated): ExAC 0.00002; gnomAD 0.00001; gnomAD exomes 0.00002; TOPMed 0.00002.
gnomAD v4.1: 18 of 1,614,096 alleles (0.0011%); highest among the groups gnomAD compares: African/African-American, 0.0067%; no homozygotes.

Submissions (2):

Dasa
Classification: Uncertain significance for Polycystic lipomembranous osteodysplasia with sclerosing leukoencephalopathy 2. Last evaluated: 2025-09-23. Review status: criteria provided, single submitter. Criteria: DASA Assertion Criteria. Collection method: clinical testing. Allele origin: germline.
Comment: NM_018965.4(TREM2):c.154C>T (p.Arg52Cys) is a missense variant that results in the substitution of arginine with cysteine. The affected residue or protein region has prior evidence supporting clinical relevance. This variant has been recurrently observed in individuals with TREM2-related disorders (PMID: 32935933; PMID: 35672339). Also, this variant is rare in population databases. Computational prediction algorithms are consistent with a deleterious effect. The currently available literature and clinical evidence are not sufficient to establish a definitive association between this variant and the reported condition. Therefore, this variant is classified as a variant of uncertain significance.

Labcorp Genetics (formerly Invitae), Labcorp
Classification: Uncertain significance. Last evaluated: 2021-08-13. Review status: criteria provided, single submitter. Criteria: Invitae Variant Classification Sherloc (09022015). Collection method: clinical testing. Allele origin: germline.
Comment: This sequence change replaces arginine with cysteine at codon 52 of the TREM2 protein (p.Arg52Cys). The arginine residue is highly conserved and there is a large physicochemical difference between arginine and cysteine. This variant is present in population databases (rs749358844, ExAC 0.01%). This variant has not been reported in the literature in individuals affected with TREM2-related conditions. Algorithms developed to predict the effect of missense changes on protein structure and function (SIFT, PolyPhen-2, Align-GVGD) all suggest that this variant is likely to be disruptive. In summary, the available evidence is currently insufficient to determine the role of this variant in disease. Therefore, it has been classified as a Variant of Uncertain Significance.

Literature cited by the submitters: PubMed 32935933 (cited by Dasa); PubMed 35672339 (cited by Dasa).